The following is an entry in ClinVar:

NM_020433.5(JPH2):c.104A>G (p.Gln35Arg)

Gene: JPH2 (junctophilin 2; minus strand). Cytogenetic location: 20q13.12.
Variant type: single nucleotide variant.
Coding change: c.104A>G on transcript NM_020433.5 (MANE Select); coding-DNA position 104, A replaced by G.
Protein change: p.Gln35Arg; replaces glutamine 35 with arginine.
Molecular consequence: missense variant.
Genome position (GRCh38, 1-based): chr20:44,186,602, T>C on the plus strand (A>G on the coding strand, the complement: JPH2 is on the minus strand). VCF-style: chr20-44186602-T-C. GRCh37 (hg19) VCF-style: chr20-42815242-T-C.
Other names: c.104A>G, p.Gln35Arg (NM_175913.4); short protein forms Q35R.
Identifiers: ClinVar variation 3531488 (VCV003531488.1).

ClinVar aggregate classification (germline): Uncertain significance (1 of 4 stars; one submission).

Conditions:
Cardiovascular phenotype. Identifiers: MedGen CN230736.

gnomAD v4.1: 4 of 1,613,626 alleles (0.00025%); highest among the groups gnomAD compares: Non-Finnish European, 0.00034%; no homozygotes.

Submission:

Ambry Genetics
Classification: Uncertain significance for Cardiovascular phenotype. Last evaluated: 2024-10-08. Review status: criteria provided, single submitter. Criteria: Ambry Variant Classification Scheme 2023. Collection method: clinical testing. Allele origin: germline.
Comment: The p.Q35R variant (also known as c.104A>G), located in coding exon 1 of the JPH2 gene, results from an A to G substitution at nucleotide position 104. The glutamine at codon 35 is replaced by arginine, an amino acid with highly similar properties. This amino acid position is conserved. In addition, the in silico prediction for this alteration is inconclusive. Based on the available evidence, the clinical significance of this variant remains unclear.